The following is an entry in ClinVar:

NC_000004.11:g.(?_100518204)_(100522891_?)del

Gene: MTTP (microsomal triglyceride transfer protein; plus strand). Cytogenetic location: 4q23.
Variant type: Deletion.
Identifiers: ClinVar variation 2422676 (VCV002422676.4).

ClinVar aggregate classification (germline): Likely pathogenic (1 of 4 stars; one submission).

Submission:

Labcorp Genetics (formerly Invitae), Labcorp
Classification: Likely pathogenic. Last evaluated: 2023-10-08. Review status: criteria provided, single submitter. Criteria: Invitae Variant Classification Sherloc (09022015). Collection method: clinical testing. Allele origin: germline.
Comment: This variant is a gross deletion of the genomic region encompassing exon(s) 9-11 of the MTTP gene. This variant would be expected to be in-frame, preserving the integrity of the reading frame. A similar copy number variant has been observed in individual(s) with clinical features of abetalipoproteinemia (Invitae). Experimental studies and prediction algorithms are not available or were not evaluated, and the functional significance of this variant is currently unknown. This variant disrupts a region of the MTTP protein in which other variant(s) (p.Asp361Tyr) have been observed in individuals with MTTP-related conditions (PMID: 27487388). This suggests that this is a clinically significant region of the protein, and that variants that disrupt it are likely to be disease-causing. In summary, the currently available evidence indicates that the variant is pathogenic, but additional data are needed to prove that conclusively. Therefore, this variant has been classified as Likely Pathogenic.

Literature cited by the submitters: PubMed 27487388.